The following is an entry in ClinVar:

ClinVar aggregate classification (germline): Likely pathogenic. Review status: criteria provided, multiple submitters, no conflicts (2 of 4 stars). 3 submissions from 3 submitters: Likely pathogenic (2). 1 of the submissions does not count toward it. Last evaluated 2026-04-10.

Conditions:
Leber congenital amaurosis (LCA). Also called: Leber's amaurosis. Identifiers: Orphanet 65, MedGen C0339527, MeSH D057130, MONDO:0018998.
Senior-Loken syndrome 6 (SLSN6). Identifiers: Orphanet 3156, MedGen C1857779, MONDO:0012433, OMIM 610189.

Submissions (3):

Dasa
Classification: Likely pathogenic. Last evaluated: 2026-04-10. Review status: criteria provided, single submitter. Criteria: DASA Assertion Criteria. Collection method: clinical testing. Allele origin: germline.
Comment: NM_025114.4(CEP290):c.366del (p.Lys122Asnfs*3) is a frameshift variant in CEP290 predicted to alter the reading frame and introduce a premature termination codon and is predicted to result in an absent or altered protein product. Loss of function is an established disease mechanism for CEP290-associated disorders. Also, this variant is rare in population databases. Based on the currently available evidence, this variant is classified as likely pathogenic.

Natera, Inc.
Classification: Likely pathogenic for Leber congenital amaurosis. Last evaluated: 2025-02-07. Review status: criteria provided, single submitter. Criteria: Natera Variant Classification Schema (03/2026). Collection method: clinical testing. Allele origin: germline.
Comment: The c.366del variant in CEP290 is a frameshift variant predicted to shift the reading frame beginning at codon 122 and leads to a stop codon 3 codons downstream. This variant is expected to result in nonsense mediated decay, truncation, or a dysfunctional protein product. This variant is rare in the general population with a frequency below the threshold expected for the associated phenotype(s). Given the available evidence, this variant is classified as Likely Pathogenic.

MVZ Medizinische Genetik Mainz
Classification: Pathogenic for Senior-Loken syndrome 6. Last evaluated: 2023-05-31. Review status: no assertion criteria provided. Collection method: clinical testing. Allele origin: germline. Inheritance: Unknown mechanism. Observed: 1 variant allele. Not counted in ClinVar's aggregate classification.

NM_025114.4(CEP290):c.366del (p.Lys122fs)

Gene: CEP290 (centrosomal protein 290; minus strand). Cytogenetic location: 12q21.32.
Variant type: Deletion.
Coding change: c.366del on transcript NM_025114.4 (MANE Select); coding-DNA position 366, one base deleted (A; older notation c.366delA).
Protein change: p.Lys122fs; shifts the reading frame from lysine 122.
Molecular consequence: frameshift variant.
Genome position (GRCh38, 1-based): chr12:88,136,718, T deleted on the plus strand (A on the coding strand, the reverse complement: CEP290 is on the minus strand); the first of 5 consecutive T bases (chr12:88,136,718-88,136,722); deleting any one gives the same sequence. VCF-style (leftmost placement, unchanged base first): chr12-88136717-GT-G. GRCh37 (hg19) VCF-style: chr12-88530494-GT-G.
Other names: c.366del (NM_025114.3); short protein forms K122fs.
Identifiers: ClinVar variation 2577442 (VCV002577442.6), dbSNP rs2501710854, ClinGen allele CA2580617508.